The following is an entry in ClinVar:

NM_001369.3(DNAH5):c.5272-32T>C

Gene: DNAH5 (dynein axonemal heavy chain 5; minus strand). Cytogenetic location: 5p15.2.
Variant type: single nucleotide variant.
Coding change: c.5272-32T>C on transcript NM_001369.3 (MANE Select); 32 bases into the intron before coding-DNA position 5272, T replaced by C.
Molecular consequence: intron variant.
Genome position (GRCh38, 1-based): chr5:13,841,936, A>G on the plus strand (T>C on the coding strand, the complement: DNAH5 is on the minus strand). VCF-style: chr5-13841936-A-G. GRCh37 (hg19) VCF-style: chr5-13842045-A-G.
Identifiers: ClinVar variation 258043 (VCV000258043.8), dbSNP rs368185722, ClinGen allele CA3203730.

ClinVar aggregate classification (germline): Likely benign. Review status: criteria provided, multiple submitters, no conflicts (2 of 4 stars). 3 submissions from 3 submitters: Likely benign (2). 1 of the submissions does not count toward it. Last evaluated 2019-09-17.

Conditions:
DNAH5-related disorder. Also called: DNAH5-related condition.

Allele frequency attached by ClinVar (database versions not stated): ESP Exome Variant Server 0.00040; gnomAD 0.01210 and 0.01214; ExAC 0.01369; gnomAD exomes 0.02028 and 0.02360.
gnomAD v4.1: 23,589 of 1,071,394 alleles (2.2%); highest among the groups gnomAD compares: Middle Eastern, 3.5%; 309 homozygotes.

Submissions (3):

GeneDx
Classification: Likely benign. Last evaluated: 2019-09-17. Review status: criteria provided, single submitter. Criteria: GeneDx Variant Classification Process June 2021. Collection method: clinical testing. Allele origin: germline. Affected: yes.

Breakthrough Genomics
Classification: Likely benign. Review status: criteria provided, single submitter. Criteria: ACMG Guidelines, 2015. Collection method: not provided. Allele origin: germline. Inheritance: Autosomal recessive inheritance. Affected: yes.

PreventionGenetics, part of Exact Sciences
Classification: Benign for DNAH5-related condition. Last evaluated: 2022-08-07. Review status: no assertion criteria provided. Collection method: clinical testing. Allele origin: germline. Not counted in ClinVar's aggregate classification.
Comment: This variant is classified as benign based on ACMG/AMP sequence variant interpretation guidelines (Richards et al. 2015 PMID: 25741868, with internal and published modifications).